The following is an entry in ClinVar:

NM_000528.4(MAN2B1):c.1994A>T (p.Asn665Ile)

Gene: MAN2B1 (mannosidase alpha class 2B member 1; minus strand). Cytogenetic location: 19p13.13.
Variant type: single nucleotide variant.
Coding change: c.1994A>T on transcript NM_000528.4 (MANE Select); coding-DNA position 1994, A replaced by T.
Protein change: p.Asn665Ile; replaces asparagine 665 with isoleucine.
Molecular consequence: missense variant.
Genome position (GRCh38, 1-based): chr19:12,652,205, T>A on the plus strand (A>T on the coding strand, the complement: MAN2B1 is on the minus strand). VCF-style: chr19-12652205-T-A. GRCh37 (hg19) VCF-style: chr19-12763019-T-A.
Other names: c.1991A>T, p.Asn664Ile (NM_001173498.2); c.1994A>T (NM_000528.3); short protein forms N664I, N665I.
Identifiers: ClinVar variation 1409433 (VCV001409433.4), dbSNP rs762894770, ClinGen allele CA9226241.
Genomic context (GRCh38, chr19:12,652,205, plus strand): 5'-TCCCTGACCTTCACCAGGTGGATCTGAGCCCAGCGGCTCACAGGCAGCGGTTTCTGTTGG[T>A]TGGGTCTGAAGATGTAGGCACCTGAGGCCTGGTCACTTTCGTTGTCACCTATACTGGCGT-3'
Protein context (NP_000519.2, residues 655-675): QASGAYIFRP[Asn665Ile]QQKPLPVSRW

ClinVar aggregate classification (germline): Uncertain significance. Review status: criteria provided, multiple submitters, no conflicts (2 of 4 stars). 2 submissions from 2 submitters: Uncertain significance (2). Last evaluated 2026-02-06.

Conditions:
Deficiency of alpha-mannosidase (MANSA). Also called: Alpha-Mannosidosis; Mannosidosis, alpha-, types I and II; LYSOSOMAL ALPHA-D-MANNOSIDASE DEFICIENCY. Identifiers: Orphanet 61, MedGen C0024748, MONDO:0009561, OMIM 248500.

Allele frequency attached by ClinVar (database versions not stated): gnomAD exomes 0.00001; ExAC 0.00001.
gnomAD v4.1: 7 of 1,614,026 alleles (0.00043%); highest among the groups gnomAD compares: Admixed American, 0.01%; no homozygotes.

Submissions (2):

GeneDx
Classification: Uncertain significance. Last evaluated: 2026-02-06. Review status: criteria provided, single submitter. Criteria: GeneDx Variant Classification Process June 2021. Collection method: clinical testing. Allele origin: germline.
Comment: Not observed at significant frequency in large population cohorts (gnomAD); In silico analysis supports that this missense variant has a deleterious effect on protein structure/function; Has not been previously published as pathogenic or benign to our knowledge

Labcorp Genetics (formerly Invitae), Labcorp
Classification: Uncertain significance for Deficiency of alpha-mannosidase. Last evaluated: 2022-08-23. Review status: criteria provided, single submitter. Criteria: Invitae Variant Classification Sherloc (09022015). Collection method: clinical testing. Allele origin: germline.
Comment: This sequence change replaces asparagine, which is neutral and polar, with isoleucine, which is neutral and non-polar, at codon 665 of the MAN2B1 protein (p.Asn665Ile). This variant is present in population databases (rs762894770, gnomAD 0.01%). This variant has not been reported in the literature in individuals affected with MAN2B1-related conditions. ClinVar contains an entry for this variant (Variation ID: 1409433). Algorithms developed to predict the effect of missense changes on protein structure and function are either unavailable or do not agree on the potential impact of this missense change (SIFT: "Deleterious"; PolyPhen-2: "Benign"; Align-GVGD: "Class C0"). In summary, the available evidence is currently insufficient to determine the role of this variant in disease. Therefore, it has been classified as a Variant of Uncertain Significance.